The following is an entry in ClinVar:

NM_002181.4(IHH):c.427T>C (p.Ser143Pro)

Gene: IHH (Indian hedgehog signaling molecule; minus strand). Cytogenetic location: 2q35.
Variant type: single nucleotide variant.
Coding change: c.427T>C on transcript NM_002181.4 (MANE Select); coding-DNA position 427, T replaced by C.
Protein change: p.Ser143Pro; replaces serine 143 with proline.
Molecular consequence: missense variant.
Genome position (GRCh38, 1-based): chr2:219,057,583, A>G on the plus strand (T>C on the coding strand, the complement: IHH is on the minus strand). VCF-style: chr2-219057583-A-G. GRCh37 (hg19) VCF-style: chr2-219922305-A-G.
Other names: short protein forms S143P.
Identifiers: ClinVar variation 4856069 (VCV004856069.1).

ClinVar aggregate classification (germline): Uncertain significance (1 of 4 stars; one submission).

Conditions:
IHH-related disorder. Also called: IHH-related condition.

Submission:

3billion
Classification: Uncertain significance for IHH-related disorder. Last evaluated: 2025-10-07. Review status: criteria provided, single submitter. Criteria: ACMG Guidelines, 2015. Collection method: clinical testing. Allele origin: germline. Affected: yes.
Comment: The variant is not observed in the gnomAD v4.1.0 dataset. Predicted Consequence/Location: Missense variant In silico tool predictions suggest damaging effect of the variant on gene or gene product [REVEL: 0.98 (>=0.6, sensitivity 0.68 and specificity 0.92)]. Therefore, this variant is classified as VUS according to the recommendation of ACMG/AMP guideline.